The following is an entry in ClinVar:

NM_001122630.2(CDKN1C):c.824A>G (p.Lys275Arg)

Gene: CDKN1C (cyclin dependent kinase inhibitor 1C; minus strand). Cytogenetic location: 11p15.4.
Variant type: single nucleotide variant.
Coding change: c.824A>G on transcript NM_001122630.2 (MANE Select); coding-DNA position 824, A replaced by G.
Protein change: p.Lys275Arg; replaces lysine 275 with arginine.
Molecular consequence: missense variant.
Genome position (GRCh38, 1-based): chr11:2,884,098, T>C on the plus strand (A>G on the coding strand, the complement: CDKN1C is on the minus strand). VCF-style: chr11-2884098-T-C. GRCh37 (hg19) VCF-style: chr11-2905328-T-C.
Other names: c.857A>G, p.Lys286Arg (NM_000076.2, NM_001362474.2); c.824A>G, p.Lys275Arg (NM_001122631.2); c.292A>G, p.Ser98Gly (NM_001362475.2); short protein forms K275R, K286R, S98G.
Identifiers: ClinVar variation 1435907 (VCV001435907.8), dbSNP rs2133780240, ClinGen allele CA379145012.

ClinVar aggregate classification (germline): Uncertain significance (1 of 4 stars; one submission).

Conditions:
Beckwith-Wiedemann syndrome (BWS). Also called: EMG SYNDROME; Exomphalos macroglossia gigantism syndrome. Identifiers: Orphanet 116, MedGen C0004903, MONDO:0007534, OMIM 130650.

Allele frequency attached by ClinVar (database versions not stated): gnomAD exomes below 0.00001.

Submission:

Labcorp Genetics (formerly Invitae), Labcorp
Classification: Uncertain significance for Beckwith-Wiedemann syndrome. Last evaluated: 2022-06-03. Review status: criteria provided, single submitter. Criteria: Invitae Variant Classification Sherloc (09022015). Collection method: clinical testing. Allele origin: germline.
Comment: This variant is not present in population databases (gnomAD no frequency). This sequence change replaces lysine, which is basic and polar, with arginine, which is basic and polar, at codon 286 of the CDKN1C protein (p.Lys286Arg). This variant has not been reported in the literature in individuals affected with CDKN1C-related conditions. In summary, the available evidence is currently insufficient to determine the role of this variant in disease. Therefore, it has been classified as a Variant of Uncertain Significance. Algorithms developed to predict the effect of missense changes on protein structure and function output the following: SIFT: "Tolerated"; PolyPhen-2: "Not Available"; Align-GVGD: "Class C0". The arginine amino acid residue is found in multiple mammalian species, which suggests that this missense change does not adversely affect protein function. ClinVar contains an entry for this variant (Variation ID: 1435907).